The following is an entry in ClinVar:

NM_000238.4(KCNH2):c.2354G>T (p.Gly785Val)

Gene: KCNH2 (potassium voltage-gated channel subfamily H member 2; minus strand). Cytogenetic location: 7q36.1.
Variant type: single nucleotide variant.
Coding change: c.2354G>T on transcript NM_000238.4 (MANE Select); coding-DNA position 2354, G replaced by T.
Protein change: p.Gly785Val; replaces glycine 785 with valine.
Molecular consequence: missense variant.
Genome position (GRCh38, 1-based): chr7:150,950,212, C>A on the plus strand (G>T on the coding strand, the complement: KCNH2 is on the minus strand). VCF-style: chr7-150950212-C-A. GRCh37 (hg19) VCF-style: chr7-150647300-C-A.
Other names: c.2354G>T (LRG_288t1); c.1334G>T, p.Gly445Val (NM_001204798.2, NM_172057.3); c.2066G>T, p.Gly689Val (NM_001406753.1, NM_001406756.1); c.2177G>T, p.Gly726Val (NM_001406755.1); c.2054G>T, p.Gly685Val (NM_001406757.1); c.2354G>T, p.Gly785Val (NM_172056.3); short protein forms G445V, G785V, G685V, G689V, G726V.
Identifiers: ClinVar variation 67388 (VCV000067388.4), dbSNP rs199472996, ClinGen allele CA006478.
Genomic context (GRCh38, chr7:150,950,212, plus strand): 5'-GCCCCCCACCCCATACCCAGGATGGCCACGACGACGTCGCCCCGCAGGATCTCGATGGAG[C>A]CCCGGGAGATGAAGTACAGGGCGGTGAGCAGGTCCCCAGCATGCACCAGTGTGTCCCCTG-3'
Protein context (NP_000229.1, residues 775-795): LLTALYFISR[Gly785Val]SIEILRGDVV

ClinVar aggregate classification (germline): Pathogenic. Review status: criteria provided, single submitter (1 of 4 stars). 2 submissions from 2 submitters: Pathogenic (1). 1 of the submissions does not count toward it. Last evaluated 2022-08-23.

Conditions:
Familial long QT syndrome (RWS). Also called: Congenital long QT syndrome; Romano-Ward syndrome; VENTRICULAR FIBRILLATION WITH PROLONGED QT INTERVAL. Identifiers: Orphanet 768, MedGen C1141890, MONDO:0019171.

Submissions (2):

Clinical Genetics Laboratory, Skane University Hospital Lund
Classification: Pathogenic. Last evaluated: 2022-08-23. Review status: criteria provided, single submitter. Criteria: ACMG Guidelines, 2015. Collection method: clinical testing. Allele origin: germline. Affected: yes.

Cardiovascular Biomedical Research Unit, Royal Brompton & Harefield NHS Foundation Trust
No classification provided. Condition: Familial long QT syndrome. Review status: no classification provided. Collection method: literature only. Allele origin: germline. Not counted in ClinVar's aggregate classification.
Comment: This variant has been reported as associated with Long QT syndrome in the following publications (PMID:19926013). This is a literature report, and does not necessarily reflect the clinical interpretation of the Imperial College / Royal Brompton Cardiovascular Genetics laboratory.

Literature cited by the submitters: PubMed 19926013 (cited by Cardiovascular Biomedical Research Unit, Royal Brompton & Harefield NHS Foundation Trust); PubMed 22581653 (cited by Cardiovascular Biomedical Research Unit, Royal Brompton & Harefield NHS Foundation Trust).